The following is an entry in ClinVar:

NM_000539.3(RHO):c.269G>A (p.Gly90Asp)

Gene: RHO (rhodopsin; plus strand). Cytogenetic location: 3q22.1.
Variant type: single nucleotide variant.
Coding change: c.269G>A on transcript NM_000539.3 (MANE Select); coding-DNA position 269, G replaced by A.
Protein change: p.Gly90Asp; replaces glycine 90 with aspartic acid.
Molecular consequence: missense variant.
Genome position (GRCh38, 1-based): chr3:129,529,002, G>A. VCF-style: chr3-129529002-G-A. GRCh37 (hg19) VCF-style: chr3-129247845-G-A.
Other names: short protein forms G90D.
Identifiers: ClinVar variation 13045 (VCV000013045.12), dbSNP rs104893790, ClinGen allele CA122823.

ClinVar aggregate classification (germline): Pathogenic. Review status: criteria provided, multiple submitters, no conflicts (2 of 4 stars). 5 submissions from 5 submitters: Pathogenic (4). 1 of the submissions does not count toward it. Last evaluated 2022-01-01.

Conditions:
Retinal dystrophy. Also called: Inherited retinal dystrophy. Identifiers: Orphanet 71862, MedGen C0854723, MeSH D058499, MONDO:0019118, HP:0000556.
Pigmentary retinal dystrophy. Also called: Fundus albipunctatus. Identifiers: Orphanet 227796, Orphanet 52427, MedGen C0311338, MONDO:0007639, OMIM 136880, HP:0030642.
Congenital stationary night blindness autosomal dominant 1. Also called: NIGHT BLINDNESS, CONGENITAL STATIONARY, RHODOPSIN-RELATED. Identifiers: Orphanet 215, MedGen C1864869, MONDO:0012498, OMIM 610445.

Submissions (5):

Institute of Human Genetics, Univ. Regensburg, Univ. Regensburg
Classification: Pathogenic for Retinal dystrophy. Last evaluated: 2022-01-01. Review status: criteria provided, single submitter. Criteria: ACMG Guidelines, 2015. Collection method: clinical testing. Allele origin: germline. Affected: yes.

Labcorp Genetics (formerly Invitae), Labcorp
Classification: Pathogenic. Last evaluated: 2021-08-05. Review status: criteria provided, single submitter. Criteria: Invitae Variant Classification Sherloc (09022015). Collection method: clinical testing. Allele origin: germline.
Comment: This sequence change replaces glycine with aspartic acid at codon 90 of the RHO protein (p.Gly90Asp). The glycine residue is highly conserved and there is a moderate physicochemical difference between glycine and aspartic acid. This variant is not present in population databases (ExAC no frequency). This missense change has been observed in individuals with autosomal dominant RHO-related conditions (PMID: 7846071, 33669941). It has also been observed to segregate with disease in related individuals. ClinVar contains an entry for this variant (Variation ID: 13045). Algorithms developed to predict the effect of missense changes on protein structure and function are either unavailable or do not agree on the potential impact of this missense change (SIFT: "Deleterious"; PolyPhen-2: "Probably Damaging"; Align-GVGD: "Class C0"). Experimental studies have shown that this missense change affects RHO function (PMID: 18987202, 27458239). For these reasons, this variant has been classified as Pathogenic.

Institute of Medical Genetics and Applied Genomics, University Hospital Tübingen
Classification: Pathogenic. Last evaluated: 2020-10-23. Review status: criteria provided, single submitter. Criteria: ACMG Guidelines, 2015. Collection method: clinical testing. Allele origin: germline. Inheritance: Autosomal dominant inheritance. Affected: yes.

Centre for Mendelian Genomics, University Medical Centre Ljubljana
Classification: Pathogenic for Pigmentary retinal dystrophy. Last evaluated: 2018-10-24. Review status: criteria provided, single submitter. Criteria: ACMG Guidelines, 2015. Collection method: clinical testing. Allele origin: unknown. Affected: yes.
Comment: This variant was classified as: Pathogenic. The following ACMG criteria were applied in classifying this variant: PS1,PP1-S,PM2,PP3.

OMIM
Classification: Pathogenic for NIGHT BLINDNESS, CONGENITAL STATIONARY, AUTOSOMAL DOMINANT 1. Last evaluated: 1994-02-17. Review status: no assertion criteria provided. Collection method: literature only. Allele origin: germline. Not counted in ClinVar's aggregate classification.

Literature cited by the submitters: PubMed 8401533 (cited by Institute of Human Genetics, Univ. Regensburg, Univ. Regensburg); PubMed 7846071 (cited by Institute of Human Genetics, Univ. Regensburg, Univ. Regensburg and Labcorp Genetics (formerly Invitae), Labcorp); PubMed 18987202 (cited by Institute of Human Genetics, Univ. Regensburg, Univ. Regensburg and Labcorp Genetics (formerly Invitae), Labcorp); PubMed 21094163 (cited by Institute of Human Genetics, Univ. Regensburg, Univ. Regensburg); PubMed 21940625 (cited by Institute of Human Genetics, Univ. Regensburg, Univ. Regensburg); PubMed 23579341 (cited by Institute of Human Genetics, Univ. Regensburg, Univ. Regensburg); PubMed 26427453 (cited by Institute of Human Genetics, Univ. Regensburg, Univ. Regensburg); PubMed 27458239 (cited by Institute of Human Genetics, Univ. Regensburg, Univ. Regensburg and Labcorp Genetics (formerly Invitae), Labcorp); PubMed 30977563 (cited by Institute of Human Genetics, Univ. Regensburg, Univ. Regensburg); PubMed 33669941 (cited by Labcorp Genetics (formerly Invitae), Labcorp); Sieving, P. A., Richards, J. E., Bingham, E. L., Naarendorp, F. Dominant congenital complete nyctalopia and gly90-to-asp rhodopsin mutation. (Abstract) Invest. Ophthal. Vis. Sci. 33: 1397, 1992. (cited by OMIM); PubMed 8107847 (cited by OMIM).